The following is an entry in ClinVar:

ClinVar aggregate classification (germline): Uncertain significance (1 of 4 stars; one submission).

Conditions:
RASopathy. Also called: rasopathies; Noonan spectrum disorder. Identifiers: Orphanet 536391, MedGen C5555857, MONDO:0021060.

Submission:

Labcorp Genetics (formerly Invitae), Labcorp
Classification: Uncertain significance for RASopathy. Last evaluated: 2024-01-25. Review status: criteria provided, single submitter. Criteria: Invitae Variant Classification Sherloc (09022015). Collection method: clinical testing. Allele origin: germline.
Comment: This sequence change replaces proline, which is neutral and non-polar, with leucine, which is neutral and non-polar, at codon 1045 of the SOS1 protein (p.Pro1045Leu). This variant is not present in population databases (gnomAD no frequency). This variant has not been reported in the literature in individuals affected with SOS1-related conditions. Advanced modeling of protein sequence and biophysical properties (such as structural, functional, and spatial information, amino acid conservation, physicochemical variation, residue mobility, and thermodynamic stability) performed at Invitae indicates that this missense variant is not expected to disrupt SOS1 protein function with a negative predictive value of 95%. In summary, the available evidence is currently insufficient to determine the role of this variant in disease. Therefore, it has been classified as a Variant of Uncertain Significance.

NM_005633.4(SOS1):c.3134C>T (p.Pro1045Leu)

Gene: SOS1 (SOS Ras/Rac guanine nucleotide exchange factor 1; minus strand). Cytogenetic location: 2p22.1.
Variant type: single nucleotide variant.
Coding change: c.3134C>T on transcript NM_005633.4 (MANE Select); coding-DNA position 3134, C replaced by T.
Protein change: p.Pro1045Leu; replaces proline 1045 with leucine.
Molecular consequence: missense variant.
Genome position (GRCh38, 1-based): chr2:38,995,335, G>A on the plus strand (C>T on the coding strand, the complement: SOS1 is on the minus strand). VCF-style: chr2-38995335-G-A. GRCh37 (hg19) VCF-style: chr2-39222476-G-A.
Other names: c.3113C>T, p.Pro1038Leu (NM_001382394.1); c.3134C>T, p.Pro1045Leu (NM_001382395.1); short protein forms P1038L, P1045L.
Identifiers: ClinVar variation 2711528 (VCV002711528.3), dbSNP rs1668859370, ClinGen allele CA346361159.
Genomic context (GRCh38, chr2:38,995,335, plus strand): 5'-TAACTAATTTTCCTTGGCTCCTGCTGCAGAGGTGTGGGATGCCTCATGGTACCTGGTCTT[G>A]GGTTTGATGGACGAACACCAGGAGATTTTAGGGGATAGCTATATTTTTTTGGCTGTAGAC-3'
Protein context (NP_005624.2, residues 1035-1055): LKSPGVRPSN[Pro1045Leu]RPGTMRHPTP